The following is an entry in ClinVar:

ClinVar aggregate classification (germline): Uncertain significance. Review status: criteria provided, multiple submitters, no conflicts (2 of 4 stars). 2 submissions from 2 submitters: Uncertain significance (2). Last evaluated 2025-08-23.

Conditions:
Aicardi-Goutieres syndrome 2. Identifiers: Orphanet 51, MedGen C3489724, MONDO:0012429, OMIM 610181.
Inborn genetic diseases. Identifiers: MedGen C0950123, MeSH D030342.

Allele frequency attached by ClinVar (database versions not stated): gnomAD 0.00001; TOPMed 0.00001.

Submissions (2):

Ambry Genetics
Classification: Uncertain significance for Inborn genetic diseases. Last evaluated: 2025-08-23. Review status: criteria provided, single submitter. Criteria: Ambry Variant Classification Scheme 2023. Collection method: clinical testing. Allele origin: germline.

Labcorp Genetics (formerly Invitae), Labcorp
Classification: Uncertain significance for Aicardi-Goutieres syndrome 2. Last evaluated: 2022-08-16. Review status: criteria provided, single submitter. Criteria: Invitae Variant Classification Sherloc (09022015). Collection method: clinical testing. Allele origin: germline.
Comment: This sequence change replaces phenylalanine, which is neutral and non-polar, with leucine, which is neutral and non-polar, at codon 110 of the RNASEH2B protein (p.Phe110Leu). This variant is not present in population databases (gnomAD no frequency). This variant has not been reported in the literature in individuals affected with RNASEH2B-related conditions. ClinVar contains an entry for this variant (Variation ID: 1446847). Algorithms developed to predict the effect of missense changes on protein structure and function are either unavailable or do not agree on the potential impact of this missense change (SIFT: "Tolerated"; PolyPhen-2: "Possibly Damaging"; Align-GVGD: "Class C0"). In summary, the available evidence is currently insufficient to determine the role of this variant in disease. Therefore, it has been classified as a Variant of Uncertain Significance.

NM_024570.4(RNASEH2B):c.330T>G (p.Phe110Leu)

Gene: RNASEH2B (ribonuclease H2 subunit B; plus strand). Cytogenetic location: 13q14.3.
Variant type: single nucleotide variant.
Coding change: c.330T>G on transcript NM_024570.4 (MANE Select); coding-DNA position 330, T replaced by G.
Protein change: p.Phe110Leu; replaces phenylalanine 110 with leucine.
Molecular consequence: missense variant.
Genome position (GRCh38, 1-based): chr13:50,934,893, T>G. VCF-style: chr13-50934893-T-G. GRCh37 (hg19) VCF-style: chr13-51509029-T-G.
Other names: c.330T>G (NM_024570.3); c.330T>G, p.Phe110Leu (NM_001142279.2); short protein forms F110L.
Identifiers: ClinVar variation 1446847 (VCV001446847.6), dbSNP rs999474934, ClinGen allele CA249997149.